The following is an entry in ClinVar:

ClinVar aggregate classification (germline): Conflicting classifications of pathogenicity. Review status: criteria provided, conflicting classifications (1 of 4 stars). 3 submissions from 3 submitters: Likely pathogenic (1); Uncertain significance (1). 1 of the submissions does not count toward it. Last evaluated 2022-10-04.

Conditions:
Autosomal dominant Robinow syndrome 2. Identifiers: Orphanet 3107, Orphanet 97360, MedGen C4225363, MONDO:0014591, OMIM 616331.

Submissions (3):

Labcorp Genetics (formerly Invitae), Labcorp
Classification: Uncertain significance. Last evaluated: 2022-10-04. Review status: criteria provided, single submitter. Criteria: Invitae Variant Classification Sherloc (09022015). Collection method: clinical testing. Allele origin: germline.
Comment: In summary, the available evidence is currently insufficient to determine the role of this variant in disease. Therefore, it has been classified as a Variant of Uncertain Significance. ClinVar contains an entry for this variant (Variation ID: 504195). This variant has not been reported in the literature in individuals affected with DVL1-related conditions. This variant is not present in population databases (gnomAD no frequency). This sequence change creates a premature translational stop signal (p.Ser553Profs*96) in the DVL1 gene. While this is not anticipated to result in nonsense mediated decay, it is expected to disrupt the last 118 amino acid(s) of the DVL1 protein.

GeneDx
Classification: Likely pathogenic. Last evaluated: 2020-07-29. Review status: criteria provided, single submitter. Criteria: GeneDx Variant Classification Process June 2021. Collection method: clinical testing. Allele origin: germline. Affected: yes.
Comment: Not observed in large population cohorts (Lek et al., 2016); Frameshift variant predicted to result in protein truncation as the last 118 amino acids are replaced with 95 different amino acids, although loss-of-function variants have not been reported downstream of this position in the protein; Has not been previously published as pathogenic or benign to our knowledge

Lupski Lab, Baylor-Hopkins CMG, Baylor College of Medicine
Classification: Pathogenic for Autosomal dominant Robinow syndrome 2. Last evaluated: 2020-07-14. Review status: no assertion criteria provided. Collection method: research. Allele origin: de novo. Affected: yes. Observed: 1 variant allele. Not counted in ClinVar's aggregate classification.

NM_001330311.2(DVL1):c.1731del (p.Ser578fs)

Gene: DVL1 (dishevelled segment polarity protein 1; minus strand). Cytogenetic location: 1p36.33.
Variant type: Deletion.
Coding change: c.1731del on transcript NM_001330311.2 (MANE Select); coding-DNA position 1731, one base deleted (G; older notation c.1731delG).
Protein change: p.Ser578fs; shifts the reading frame from serine 578.
Molecular consequence: frameshift variant.
Genome position (GRCh38, 1-based): chr1:1,336,499, C deleted on the plus strand (G on the coding strand, the reverse complement: DVL1 is on the minus strand); the first of 3 consecutive C bases (chr1:1,336,499-1,336,501); deleting any one gives the same sequence. VCF-style (leftmost placement, unchanged base first): chr1-1336498-AC-A. GRCh37 (hg19) VCF-style: chr1-1271878-AC-A.
Other names: c.1656del, p.Ser553fs (NM_004421.3); c.1656del (NM_004421.2); short protein forms S578fs, S553fs.
Identifiers: ClinVar variation 504195 (VCV000504195.11), dbSNP rs1553172962, ClinGen allele CA658795356.